The following is an entry in ClinVar:

NM_014639.4(SKIC3):c.2154G>C (p.Lys718Asn)

Gene: SKIC3 (SKI3 subunit of superkiller complex; minus strand). Cytogenetic location: 5q15.
Variant type: single nucleotide variant.
Coding change: c.2154G>C on transcript NM_014639.4 (MANE Select); coding-DNA position 2154, G replaced by C.
Protein change: p.Lys718Asn; replaces lysine 718 with asparagine.
Molecular consequence: missense variant.
Genome position (GRCh38, 1-based): chr5:95,517,283, C>G on the plus strand (G>C on the coding strand, the complement: SKIC3 is on the minus strand). VCF-style: chr5-95517283-C-G. GRCh37 (hg19) VCF-style: chr5-94852987-C-G.
Other names: short protein forms K718N.
Identifiers: ClinVar variation 1375143 (VCV001375143.6), dbSNP rs2112320352, ClinGen allele CA360460792.

ClinVar aggregate classification (germline): Uncertain significance (1 of 4 stars; one submission).

Submission:

Labcorp Genetics (formerly Invitae), Labcorp
Classification: Uncertain significance. Last evaluated: 2025-07-28. Review status: criteria provided, single submitter. Criteria: Invitae Variant Classification Sherloc (09022015). Collection method: clinical testing. Allele origin: germline.
Comment: This sequence change replaces lysine, which is basic and polar, with asparagine, which is neutral and polar, at codon 718 of the TTC37 protein (p.Lys718Asn). This variant is not present in population databases (gnomAD no frequency). This variant has not been reported in the literature in individuals affected with TTC37-related conditions. ClinVar contains an entry for this variant (Variation ID: 1375143). An algorithm developed to predict the effect of missense changes on protein structure and function (PolyPhen-2) suggests that this variant is likely to be disruptive. In summary, the available evidence is currently insufficient to determine the role of this variant in disease. Therefore, it has been classified as a Variant of Uncertain Significance.